The following is an entry in ClinVar:

NM_005120.3(MED12):c.6171G>A (p.Gln2057=)

Gene: MED12 (mediator complex subunit 12; plus strand). Cytogenetic location: Xq13.1.
Variant type: single nucleotide variant.
Coding change: c.6171G>A on transcript NM_005120.3 (MANE Select); coding-DNA position 6171, G replaced by A.
Protein change: p.Gln2057=; no amino-acid change (glutamine 2057 retained).
Molecular consequence: synonymous variant.
Genome position (GRCh38, 1-based): chrX:71,140,761, G>A. VCF-style: chrX-71140761-G-A. GRCh37 (hg19) VCF-style: chrX-70360611-G-A.
Identifiers: ClinVar variation 4821902 (VCV004821902.4).
Genomic context (GRCh38, chrX:71,140,761, plus strand): 5'-CGTCCAGGCAGGCGTCCGTTCAACAGCCATCCTACCTGAGCAGCAGCAGCAGCAGCAACA[G>A]CAGCAACAGCAACAGCAGCAGCAGCAGCAACAGCAACAGCAGCAGCAGCAGCAGCAGTAC-3'
Protein context (NP_005111.2, residues 2047-2067): ILPEQQQQQQ[Gln2057=]QQQQQQQQQQ

ClinVar aggregate classification (germline): Likely benign (1 of 4 stars; one submission).

Submission:

CeGaT Center for Human Genetics Tuebingen
Classification: Likely benign. Last evaluated: 2026-01-01. Review status: criteria provided, single submitter. Criteria: CeGaT Center For Human Genetics Tuebingen Variant Classification Criteria Version 2. Collection method: clinical testing. Allele origin: germline. Affected: yes. Observed: 1 variant allele.
Comment: MED12: BP4, BP7